The following is an entry in ClinVar:

ClinVar aggregate classification (germline): Benign. Review status: criteria provided, single submitter (1 of 4 stars). 2 submissions from 1 submitter: Benign (2). Last evaluated 2018-01-12.

Conditions:
Van der Woude syndrome 1. Also called: CLEFT LIP AND/OR PALATE WITH MUCOUS CYSTS OF LOWER LIP; van der Woude Syndrome (VWS). Identifiers: MedGen C4551864, MONDO:0007333, OMIM 119300.
Orofacial cleft 6, susceptibility to (OFC6). Also called: CLEFT LIP WITH OR WITHOUT CLEFT PALATE, NONSYNDROMIC, 6. Identifiers: MedGen C1837213, MONDO:0012141, OMIM 608864.

Allele frequency attached by ClinVar (database versions not stated): 1000 Genomes Project 0.00040; 1000 Genomes Project 30x 0.00094; TOPMed 0.00111; gnomAD 0.00137 and 0.00138; gnomAD exomes 0.00203.
gnomAD v4.1: 831 of 459,168 alleles (0.18%); highest among the groups gnomAD compares: Non-Finnish European, 0.27%; 5 homozygotes.

Submissions (2):

Illumina Laboratory Services, Illumina
Classification: Benign for Van der Woude syndrome 1. Last evaluated: 2018-01-12. Review status: criteria provided, single submitter. Criteria: ICSL Variant Classification Criteria 13 December 2019. Collection method: clinical testing. Allele origin: germline.
Comment: This variant was observed in the ICSL laboratory as part of a predisposition screen in an ostensibly healthy population. It had not been previously curated by ICSL or reported in the Human Gene Mutation Database (HGMD: prior to June 1st, 2018), and was therefore a candidate for classification through an automated scoring system. Utilizing variant allele frequency, disease prevalence and penetrance estimates, and inheritance mode, an automated score was calculated to assess if this variant is too frequent to cause the disease. Based on the score and internal cut-off values, a variant classified as benign is not then subjected to further curation. The score for this variant resulted in a classification of benign for this disease.

Illumina Laboratory Services, Illumina
Classification: Benign for Orofacial cleft 6, susceptibility to. Last evaluated: 2018-01-12. Review status: criteria provided, single submitter. Criteria: ICSL Variant Classification Criteria 13 December 2019. Collection method: clinical testing. Allele origin: germline.
Comment: the same text as in the submission from Illumina Laboratory Services, Illumina above.

NM_006147.4(IRF6):c.*279T>C

Gene: IRF6 (interferon regulatory factor 6; minus strand). Cytogenetic location: 1q32.2.
Variant type: single nucleotide variant.
Coding change: c.*279T>C on transcript NM_006147.4 (MANE Select); 279 bases downstream of the stop codon, T replaced by C.
Molecular consequence: 3 prime UTR variant.
Genome position (GRCh38, 1-based): chr1:209,788,141, A>G on the plus strand (T>C on the coding strand, the complement: IRF6 is on the minus strand). VCF-style: chr1-209788141-A-G. GRCh37 (hg19) VCF-style: chr1-209961486-A-G.
Other names: c.*279T>C (NM_001206696.2).
Identifiers: ClinVar variation 295203 (VCV000295203.5), dbSNP rs191645857, ClinGen allele CA10609611.
Genomic context (GRCh38, chr1:209,788,141, plus strand): 5'-TAAGCAATAAATCTGAAGCCCAGAGGTTAAAGGACTTGTTCAAGGTCACATTGGAAGCAA[A>G]GCTGCAGCTAGAACTTTGGTGTCCAAACTCCCAGGCCAAATCTCCTTCTACTATGCTATA-3'